The following is an entry in ClinVar:

ClinVar aggregate classification (germline): Likely pathogenic (1 of 4 stars; one submission).

Conditions:
Holocarboxylase synthetase deficiency. Also called: MULTIPLE CARBOXYLASE DEFICIENCY, EARLY ONSET. Identifiers: Orphanet 79242, MedGen C0268581, MONDO:0009666, OMIM 253270.

Submission:

Myriad Genetics, Inc.
Classification: Likely pathogenic for Holocarboxylase synthetase deficiency. Last evaluated: 2022-02-22. Review status: criteria provided, single submitter. Criteria: Myriad Women's Health Autosomal Recessive and X-Linked Classification Criteria (2021). Collection method: clinical testing. Allele origin: unknown.
Comment: NM_000411.6(HLCS):c.575_576delTT(I192Rfs*84) is expected to be pathogenic in the context of holocarboxylase synthetase deficiency. This variant is predicted to lead to an abnormal or absent protein product due to the creation of a premature termination codon in HLCS, a gene where loss-of-function variants are known to be pathogenic. Please note: this variant was assessed in the context of healthy population screening.

NM_001352514.2(HLCS):c.1016_1017del (p.Ile339fs)

Gene: HLCS (holocarboxylase synthetase; minus strand). Cytogenetic location: 21q22.13.
Variant type: Deletion.
Coding change: c.1016_1017del on transcript NM_001352514.2 (MANE Select); coding-DNA positions 1016 to 1017, 2 bases deleted (TT; older notation c.1016_1017delTT).
Protein change: p.Ile339fs; shifts the reading frame from isoleucine 339.
Molecular consequence: frameshift variant. On other transcripts: non-coding transcript variant (2).
Genome position (GRCh38, 1-based): chr21:36,936,869-36,936,870, AA deleted on the plus strand (TT on the coding strand, the reverse complement: HLCS is on the minus strand). VCF-style (leftmost placement, unchanged base first): chr21-36936868-CAA-C. GRCh37 (hg19) VCF-style: chr21-38309168-CAA-C.
Other names: c.575_576del, p.Ile192fs (NM_000411.8, NM_001242784.3, NM_001242785.2 and 4 more transcripts); short protein forms I192fs, I339fs.
Identifiers: ClinVar variation 1724622 (VCV001724622.2), dbSNP rs2517579169, ClinGen allele CA2580098717.